The following is an entry in ClinVar:

NM_001006658.3(CR2):c.782A>G (p.Gln261Arg)

Gene: CR2 (complement C3d receptor 2; plus strand). Cytogenetic location: 1q32.2.
Variant type: single nucleotide variant.
Coding change: c.782A>G on transcript NM_001006658.3 (MANE Select); coding-DNA position 782, A replaced by G.
Protein change: p.Gln261Arg; replaces glutamine 261 with arginine.
Molecular consequence: missense variant.
Genome position (GRCh38, 1-based): chr1:207,469,197, A>G. VCF-style: chr1-207469197-A-G. GRCh37 (hg19) VCF-style: chr1-207642542-A-G.
Other names: c.782A>G, p.Gln261Arg (NM_001877.5); short protein forms Q261R.
Identifiers: ClinVar variation 2198026 (VCV002198026.3), dbSNP rs767073038, ClinGen allele CA1368542.

ClinVar aggregate classification (germline): Uncertain significance. Review status: criteria provided, multiple submitters, no conflicts (2 of 4 stars). 3 submissions from 3 submitters: Uncertain significance (3). Last evaluated 2024-05-27.

Conditions:
Inborn genetic diseases. Identifiers: MedGen C0950123, MeSH D030342.
Immunodeficiency, common variable, 7. Identifiers: Orphanet 1572, Orphanet 696894, MedGen C3542922, MONDO:0013862, OMIM 614699.

Allele frequency attached by ClinVar (database versions not stated): ExAC 0.00001; gnomAD 0.00001; TOPMed 0.00001; gnomAD exomes 0.00002.
gnomAD v4.1: 12 of 1,613,820 alleles (0.00074%); highest among the groups gnomAD compares: Middle Eastern, 0.016%; no homozygotes.

Submissions (3):

Blueprint Genetics
Classification: Uncertain significance. Last evaluated: 2024-05-27. Review status: criteria provided, single submitter. Criteria: ACMG Guidelines, 2015. Collection method: clinical testing. Allele origin: germline.

Ambry Genetics
Classification: Uncertain significance for Inborn genetic diseases. Last evaluated: 2024-03-04. Review status: criteria provided, single submitter. Criteria: Ambry Variant Classification Scheme 2023. Collection method: clinical testing. Allele origin: germline.

Labcorp Genetics (formerly Invitae), Labcorp
Classification: Uncertain significance for Immunodeficiency, common variable, 7. Last evaluated: 2022-05-25. Review status: criteria provided, single submitter. Criteria: Invitae Variant Classification Sherloc (09022015). Collection method: clinical testing. Allele origin: germline.
Comment: This sequence change replaces glutamine, which is neutral and polar, with arginine, which is basic and polar, at codon 261 of the CR2 protein (p.Gln261Arg). This variant is present in population databases (rs767073038, gnomAD 0.003%). This variant has not been reported in the literature in individuals affected with CR2-related conditions. Algorithms developed to predict the effect of missense changes on protein structure and function are either unavailable or do not agree on the potential impact of this missense change (SIFT: "Tolerated"; PolyPhen-2: "Possibly Damaging"; Align-GVGD: "Class C0"). In summary, the available evidence is currently insufficient to determine the role of this variant in disease. Therefore, it has been classified as a Variant of Uncertain Significance.